The following is an entry in ClinVar:

ClinVar aggregate classification (germline): Uncertain significance (1 of 4 stars; one submission).

Conditions:
Hereditary cancer-predisposing syndrome. Also called: Hereditary Cancer Syndrome; Hereditary neoplastic syndrome; Neoplastic Syndromes, Hereditary; Tumor predisposition. Identifiers: Orphanet 140162, MedGen C0027672, MeSH D009386, MONDO:0015356.

Submission:

Ambry Genetics
Classification: Uncertain significance for Hereditary cancer-predisposing syndrome. Last evaluated: 2025-06-24. Review status: criteria provided, single submitter. Criteria: Ambry Variant Classification Scheme 2023. Collection method: clinical testing. Allele origin: germline.
Comment: The p.P3150A variant (also known as c.9448C>G), located in coding exon 24 of the BRCA2 gene, results from a C to G substitution at nucleotide position 9448. The proline at codon 3150 is replaced by alanine, an amino acid with highly similar properties. This amino acid position is conserved. In addition, the in silico prediction for this alteration is inconclusive. Based on the available evidence, the clinical significance of this variant remains unclear.

NM_000059.4(BRCA2):c.9448C>G (p.Pro3150Ala)

Gene: BRCA2 (BRCA2 DNA repair associated; plus strand). Cytogenetic location: 13q13.1.
Variant type: single nucleotide variant.
Coding change: c.9448C>G on transcript NM_000059.4 (MANE Select); coding-DNA position 9448, C replaced by G.
Protein change: p.Pro3150Ala; replaces proline 3150 with alanine.
Molecular consequence: missense variant. On other transcripts: non-coding transcript variant (1).
Genome position (GRCh38, 1-based): chr13:32,394,880, C>G. VCF-style: chr13-32394880-C-G. GRCh37 (hg19) VCF-style: chr13-32969017-C-G.
Other names: c.9352C>G, p.Pro3118Ala (NM_001406719.1); c.9397C>G, p.Pro3133Ala (NM_001406720.1); c.4516C>G, p.Pro1506Ala (NM_001406721.1); c.3031C>G, p.Pro1011Ala (NM_001406722.1); c.9448C>G, p.Pro3150Ala (NM_001432077.1); short protein forms P1011A, P3150A, P1506A, P3118A, P3133A.
Identifiers: ClinVar variation 4215806 (VCV004215806.1).